The following is an entry in ClinVar:

ClinVar aggregate classification (germline): Benign (1 of 4 stars; one submission).

Conditions:
Interstitial lung disease due to ABCA3 deficiency. Also called: PULMONARY ALVEOLAR PROTEINOSIS, CONGENITAL, 3. Identifiers: Orphanet 440402, MedGen C1970456, MONDO:0012582, OMIM 610921.

Allele frequency attached by ClinVar (database versions not stated): gnomAD 0.01557 and 0.01662; TOPMed 0.01728; 1000 Genomes Project 0.01937; 1000 Genomes Project 30x 0.02030.

Submission:

Illumina Laboratory Services, Illumina
Classification: Benign for Interstitial lung disease due to ABCA3 deficiency. Last evaluated: 2018-01-13. Review status: criteria provided, single submitter. Criteria: ICSL Variant Classification Criteria 13 December 2019. Collection method: clinical testing. Allele origin: germline.
Comment: This variant was observed in the ICSL laboratory as part of a predisposition screen in an ostensibly healthy population. It had not been previously curated by ICSL or reported in the Human Gene Mutation Database (HGMD: prior to June 1st, 2018), and was therefore a candidate for classification through an automated scoring system. Utilizing variant allele frequency, disease prevalence and penetrance estimates, and inheritance mode, an automated score was calculated to assess if this variant is too frequent to cause the disease. Based on the score and internal cut-off values, a variant classified as benign is not then subjected to further curation. The score for this variant resulted in a classification of benign for this disease.

NM_001089.3(ABCA3):c.-671T>A

Genes: ABCA3 (ATP binding cassette subfamily A member 3; minus strand), LOC130058230 (ATAC-STARR-seq lymphoblastoid silent region 7042; plus strand). Cytogenetic location: 16p13.3.
Variant type: single nucleotide variant.
Coding change: c.-671T>A on transcript NM_001089.3 (MANE Select); 671 bases upstream of the start codon, T replaced by A.
Molecular consequence: 5 prime UTR variant.
Genome position (GRCh38, 1-based): chr16:2,340,705, A>T on the plus strand (T>A on the coding strand, the complement: ABCA3 is on the minus strand). VCF-style: chr16-2340705-A-T. GRCh37 (hg19) VCF-style: chr16-2390706-A-T.
Identifiers: ClinVar variation 318603 (VCV000318603.5), dbSNP rs45451291, ClinGen allele CA10643241.